The following is an entry in ClinVar:

NM_000834.5(GRIN2B):c.1349C>T (p.Pro450Leu)

Gene: GRIN2B (glutamate ionotropic receptor NMDA type subunit 2B; minus strand). Cytogenetic location: 12p13.1.
Variant type: single nucleotide variant.
Coding change: c.1349C>T on transcript NM_000834.5 (MANE Select); coding-DNA position 1349, C replaced by T.
Protein change: p.Pro450Leu; replaces proline 450 with leucine.
Molecular consequence: missense variant.
Genome position (GRCh38, 1-based): chr12:13,615,644, G>A on the plus strand (C>T on the coding strand, the complement: GRIN2B is on the minus strand). VCF-style: chr12-13615644-G-A. GRCh37 (hg19) VCF-style: chr12-13768578-G-A.
Other names: c.1349C>T, p.Pro450Leu (NM_001413992.1); short protein forms P450L.
Identifiers: ClinVar variation 2936168 (VCV002936168.4), dbSNP rs201566587, ClinGen allele CA6461255.

ClinVar aggregate classification (germline): Uncertain significance. Review status: criteria provided, multiple submitters, no conflicts (2 of 4 stars). 2 submissions from 2 submitters: Uncertain significance (2). Last evaluated 2023-11-20.

Conditions:
Intellectual developmental disorder, autosomal dominant 6, with or without seizures. Also called: GRIN2B-related developmental delay, intellectual disability and autism spectrum disorder; Intellectual disability, autosomal dominant 6. Identifiers: Orphanet 589547, MedGen C3151411, MONDO:0013509, OMIM 613970.
Developmental and epileptic encephalopathy, 27 (DEE27). Also called: Epileptic encephalopathy, early infantile, 27; GRIN2B-Related Neurodevelopmental Disorder. Identifiers: Orphanet 3451, MedGen C4015316, MONDO:0014505, OMIM 616139.

Allele frequency attached by ClinVar (database versions not stated): ExAC 0.00001; gnomAD 0.00001; gnomAD exomes 0.00001; TOPMed 0.00001.
gnomAD v4.1: 14 of 1,613,176 alleles (0.00087%); highest among the groups gnomAD compares: East Asian, 0.0045%; no homozygotes.

Submissions (2):

Blueprint Genetics
Classification: Uncertain significance. Last evaluated: 2023-11-20. Review status: criteria provided, single submitter. Criteria: ACMG Guidelines, 2015. Collection method: clinical testing. Allele origin: germline.

Labcorp Genetics (formerly Invitae), Labcorp
Classification: Uncertain significance for Developmental and epileptic encephalopathy, 27; Intellectual developmental disorder, autosomal dominant 6, with or without seizures. Last evaluated: 2023-04-09. Review status: criteria provided, single submitter. Criteria: Invitae Variant Classification Sherloc (09022015). Collection method: clinical testing. Allele origin: germline.
Comment: In summary, the available evidence is currently insufficient to determine the role of this variant in disease. Therefore, it has been classified as a Variant of Uncertain Significance. Advanced modeling of protein sequence and biophysical properties (such as structural, functional, and spatial information, amino acid conservation, physicochemical variation, residue mobility, and thermodynamic stability) performed at Invitae indicates that this missense variant is not expected to disrupt GRIN2B protein function. This variant has not been reported in the literature in individuals affected with GRIN2B-related conditions. This variant is present in population databases (rs201566587, gnomAD 0.01%). This sequence change replaces proline, which is neutral and non-polar, with leucine, which is neutral and non-polar, at codon 450 of the GRIN2B protein (p.Pro450Leu).